The following is an entry in ClinVar:

NM_014324.6(AMACR):c.1049C>A (p.Thr350Asn)

Genes: AMACR (alpha-methylacyl-CoA racemase; minus strand), C1QTNF3-AMACR (C1QTNF3-AMACR readthrough (NMD candidate); minus strand). Cytogenetic location: 5p13.2.
Variant type: single nucleotide variant.
Coding change: c.1049C>A on transcript NM_014324.6 (MANE Select); coding-DNA position 1049, C replaced by A.
Protein change: p.Thr350Asn; replaces threonine 350 with asparagine.
Molecular consequence: missense variant. On other transcripts: non-coding transcript variant (1), 3 prime UTR variant (1).
Genome position (GRCh38, 1-based): chr5:33,989,193, G>T on the plus strand (C>A on the coding strand, the complement: AMACR is on the minus strand). VCF-style: chr5-33989193-G-T. GRCh37 (hg19) VCF-style: chr5-33989298-G-T.
Other names: c.1049C>A, p.Thr350Asn (NM_001167595.2); c.*291C>A (NM_203382.3); short protein forms T350N.
Identifiers: ClinVar variation 4848255 (VCV004848255.1).

ClinVar aggregate classification (germline): Uncertain significance (1 of 4 stars; one submission).

gnomAD v4.1: 3 of 1,614,150 alleles (0.00019%); highest among the groups gnomAD compares: Non-Finnish European, 0.00025%; no homozygotes.

Submission:

Women's Health and Genetics/Laboratory Corporation of America, LabCorp
Classification: Uncertain significance. Last evaluated: 2026-02-18. Review status: criteria provided, single submitter. Criteria: LabCorp Variant Classification Summary - May 2015. Collection method: clinical testing. Allele origin: germline.
Comment: Variant summary: AMACR c.1049C>A (p.Thr350Asn) results in a non-conservative amino acid change in the encoded protein sequence. Algorithms developed to predict the effect of missense changes on protein structure and function are either unavailable or do not agree on the potential impact of this missense change. The variant allele was found at a frequency of 1.2e-05 in 251464 control chromosomes. The available data on variant occurrences in the general population are insufficient to allow any conclusion about variant significance. To our knowledge, no occurrence of c.1049C>A in individuals affected with AMACR-related conditions and no experimental evidence demonstrating its impact on protein function have been reported. No submitters have cited clinical-significance assessments for this variant to ClinVar. Based on the evidence outlined above, the variant was classified as uncertain significance.